The following is an entry in ClinVar:

NM_001042646.3(TRAK1):c.856C>T (p.His286Tyr)

Gene: TRAK1 (trafficking kinesin protein 1; plus strand). Cytogenetic location: 3p22.1.
Variant type: single nucleotide variant.
Coding change: c.856C>T on transcript NM_001042646.3 (MANE Select); coding-DNA position 856, C replaced by T.
Protein change: p.His286Tyr; replaces histidine 286 with tyrosine.
Molecular consequence: missense variant. On other transcripts: non-coding transcript variant (1).
Genome position (GRCh38, 1-based): chr3:42,193,161, C>T. VCF-style: chr3-42193161-C-T. GRCh37 (hg19) VCF-style: chr3-42234653-C-T.
Other names: c.856C>T, p.His286Tyr (NM_001265608.2, NM_001349246.2, NM_001349247.2); c.634C>T, p.His212Tyr (NM_001265609.2, NM_001265610.1, NM_001349248.1 and 1 more transcripts); c.544C>T, p.His182Tyr (NM_001349245.1); c.682C>T, p.His228Tyr (NM_001410741.1, NM_014965.5); c.856C>T (NM_001042646.1); short protein forms H212Y, H286Y, H182Y, H228Y.
Identifiers: ClinVar variation 2142964 (VCV002142964.2), dbSNP rs768379461, ClinGen allele CA2333260.
Genomic context (GRCh38, chr3:42,193,161, plus strand): 5'-ATCTCAGAGGAACTGGCCAAGAAGACGGAAGATGCTGCCCGCCAGCAAGAGGAGATCACA[C>T]ACCTGCTATCGCAAATAGTTGATTTGCAGAAAAAGGCAAAAGCTGTAAGGCTTCTCTGTT-3'
Protein context (NP_001036111.1, residues 276-296): DAARQQEEIT[His286Tyr]LLSQIVDLQK

ClinVar aggregate classification (germline): Uncertain significance. Review status: criteria provided, multiple submitters, no conflicts (2 of 4 stars). 2 submissions from 2 submitters: Uncertain significance (2). Last evaluated 2022-08-23.

Conditions:
Inborn genetic diseases. Identifiers: MedGen C0950123, MeSH D030342.

Allele frequency attached by ClinVar (database versions not stated): ExAC 0.00003; gnomAD 0.00003; gnomAD exomes 0.00004; TOPMed 0.00005.
gnomAD v4.1: 58 of 1,614,104 alleles (0.0036%); highest among the groups gnomAD compares: Admixed American, 0.025%; no homozygotes.

Submissions (2):

Labcorp Genetics (formerly Invitae), Labcorp
Classification: Uncertain significance. Last evaluated: 2022-08-23. Review status: criteria provided, single submitter. Criteria: Invitae Variant Classification Sherloc (09022015). Collection method: clinical testing. Allele origin: germline.
Comment: This sequence change replaces histidine, which is basic and polar, with tyrosine, which is neutral and polar, at codon 286 of the TRAK1 protein (p.His286Tyr). This variant is present in population databases (rs768379461, gnomAD 0.04%). This variant has not been reported in the literature in individuals affected with TRAK1-related conditions. Algorithms developed to predict the effect of missense changes on protein structure and function are either unavailable or do not agree on the potential impact of this missense change (SIFT: "Deleterious"; PolyPhen-2: "Probably Damaging"; Align-GVGD: "Class C0"). In summary, the available evidence is currently insufficient to determine the role of this variant in disease. Therefore, it has been classified as a Variant of Uncertain Significance.

Ambry Genetics
Classification: Uncertain significance for Inborn genetic diseases. Last evaluated: 2021-08-10. Review status: criteria provided, single submitter. Criteria: Ambry Variant Classification Scheme 2023. Collection method: clinical testing. Allele origin: germline.